The following is an entry in ClinVar:

ClinVar aggregate classification (germline): Uncertain significance (1 of 4 stars; one submission).

Conditions:
Cone-rod dystrophy 13 (CORD13). Identifiers: Orphanet 1872, MedGen C2750720, MONDO:0011987, OMIM 608194.
Leber congenital amaurosis 6 (LCA6). Identifiers: Orphanet 65, MedGen C1854260, MONDO:0013446, OMIM 613826.

Submission:

Labcorp Genetics (formerly Invitae), Labcorp
Classification: Uncertain significance for Leber congenital amaurosis 6; Cone-rod dystrophy 13. Last evaluated: 2022-11-01. Review status: criteria provided, single submitter. Criteria: Invitae Variant Classification Sherloc (09022015). Collection method: clinical testing. Allele origin: germline.
Comment: In summary, the available evidence is currently insufficient to determine the role of this variant in disease. Therefore, it has been classified as a Variant of Uncertain Significance. Variants that disrupt the consensus splice site are a relatively common cause of aberrant splicing (PMID: 17576681, 9536098). Algorithms developed to predict the effect of sequence changes on RNA splicing suggest that this variant may disrupt the consensus splice site. Algorithms developed to predict the effect of missense changes on protein structure and function (SIFT, PolyPhen-2, Align-GVGD) all suggest that this variant is likely to be tolerated. ClinVar contains an entry for this variant (Variation ID: 1005094). This variant has not been reported in the literature in individuals affected with RPGRIP1-related conditions. This variant is not present in population databases (gnomAD no frequency). This sequence change replaces glycine, which is neutral and non-polar, with serine, which is neutral and polar, at codon 29 of the RPGRIP1 protein (p.Gly29Ser). This variant also falls at the last nucleotide of exon 1, which is part of the consensus splice site for this exon.

Literature cited by the submitters: PubMed 17576681; PubMed 9536098.

NM_020366.4(RPGRIP1):c.85G>A (p.Gly29Ser)

Gene: RPGRIP1 (RPGR interacting protein 1; plus strand). Cytogenetic location: 14q11.2.
Variant type: single nucleotide variant.
Coding change: c.85G>A on transcript NM_020366.4 (MANE Select); coding-DNA position 85, G replaced by A.
Protein change: p.Gly29Ser; replaces glycine 29 with serine.
Molecular consequence: missense variant.
Genome position (GRCh38, 1-based): chr14:21,288,061, G>A. VCF-style: chr14-21288061-G-A. GRCh37 (hg19) VCF-style: chr14-21756220-G-A.
Other names: short protein forms G29S.
Identifiers: ClinVar variation 1005094 (VCV001005094.8), dbSNP rs763401090, ClinGen allele CA388857088.